The following is an entry in ClinVar:

NM_001042492.3(NF1):c.6361del (p.Ser2121fs)

Gene: NF1 (neurofibromin 1; plus strand). Cytogenetic location: 17q11.2.
Variant type: Deletion.
Coding change: c.6361del on transcript NM_001042492.3 (MANE Select); coding-DNA position 6361, one base deleted (T; older notation c.6361delT).
Protein change: p.Ser2121fs; shifts the reading frame from serine 2121.
Molecular consequence: frameshift variant.
Genome position (GRCh38, 1-based): chr17:31,336,848, T deleted; the last of 2 consecutive T bases (chr17:31,336,847-31,336,848); deleting either gives the same sequence. VCF-style (leftmost placement, unchanged base first): chr17-31336846-CT-C. GRCh37 (hg19) VCF-style: chr17-29663864-CT-C.
Other names: c.6298delT, p.Ser2100Profs (NM_000267.4); short protein forms S2100fs, S2121fs.
Identifiers: ClinVar variation 948875 (VCV000948875.2), dbSNP rs2069689307, ClinGen allele CA1139665446.
Genomic context (GRCh38, chr17:31,336,846, plus strand): 5'-TTCCCTACCTCTTCCACGTTGTTACTTTCTTAGTAGCCACAGGTCCGCTCTCCCTTAGAG[CT>C]TCCACACATGGACTGGTCATTAATATCATTCACTCTCTGTGTACTTGTTCACAGCTTCAT-3'

ClinVar aggregate classification (germline): Pathogenic (1 of 4 stars; one submission).

Conditions:
Neurofibromatosis, type 1 (NF1). Also called: Peripheral type neurofibromatosis; Neurofibromatosis, type I; VON RECKLINGHAUSEN DISEASE; NEUROFIBROMATOSIS, TYPE I, SOMATIC. Identifiers: Orphanet 636, MedGen C0027831, MONDO:0018975, OMIM 162200. Disease mechanism: loss of function.

Submission:

Labcorp Genetics (formerly Invitae), Labcorp
Classification: Pathogenic for Neurofibromatosis, type 1. Last evaluated: 2019-06-13. Review status: criteria provided, single submitter. Criteria: Invitae Variant Classification Sherloc (09022015). Collection method: clinical testing. Allele origin: germline.
Comment: This sequence change creates a premature translational stop signal (p.Ser2100Profs*29) in the NF1 gene. It is expected to result in an absent or disrupted protein product. This variant is not present in population databases (ExAC no frequency). This variant has not been reported in the literature in individuals with NF1-related conditions. Loss-of-function variants in NF1 are known to be pathogenic (PMID: 10712197, 23913538). For these reasons, this variant has been classified as Pathogenic.

Literature cited by the submitters: PubMed 10712197; PubMed 23913538.